The following is an entry in ClinVar:

NM_025099.6(CTC1):c.1981G>A (p.Val661Ile)

Gene: CTC1 (CST telomere replication complex component 1; minus strand). Cytogenetic location: 17p13.1.
Variant type: single nucleotide variant.
Coding change: c.1981G>A on transcript NM_025099.6 (MANE Select); coding-DNA position 1981, G replaced by A.
Protein change: p.Val661Ile; replaces valine 661 with isoleucine.
Molecular consequence: missense variant. On other transcripts: non-coding transcript variant (1).
Genome position (GRCh38, 1-based): chr17:8,232,440, C>T on the plus strand (G>A on the coding strand, the complement: CTC1 is on the minus strand). VCF-style: chr17-8232440-C-T. GRCh37 (hg19) VCF-style: chr17-8135758-C-T.
Other names: short protein forms V661I.
Identifiers: ClinVar variation 529191 (VCV000529191.11), dbSNP rs534923467, ClinGen allele CA8372209.
Genomic context (GRCh38, chr17:8,232,440, plus strand): 5'-TGAAGCCTGGCATGCTCAGCTCCTTCCAGGAAGGGAAGCTGCTTCTCACGTCCCTCTCTA[C>T]GATCAACTGAAACCTCTCTGCCCGCACCAGGCAGCCTAGAGGAAGAAAGTTTTCTGTTTT-3'
Protein context (NP_079375.3, residues 651-671): LVRAERFQLI[Val661Ile]ERDVRSSFPS

ClinVar aggregate classification (germline): Conflicting classifications of pathogenicity. Review status: criteria provided, conflicting classifications (1 of 4 stars). 3 submissions from 3 submitters: Uncertain significance (2); Likely benign (1). Last evaluated 2024-11-21.

Conditions:
Cerebroretinal microangiopathy with calcifications and cysts 1 (CRMCC1). Identifiers: Orphanet 313838, MedGen C4552029, MONDO:0024564, OMIM 612199.
Inborn genetic diseases. Identifiers: MedGen C0950123, MeSH D030342.
Dyskeratosis congenita. Identifiers: Orphanet 1775, MedGen C0265965, MONDO:0015780.

Allele frequency attached by ClinVar (database versions not stated): gnomAD 0.00005 and 0.00007; TOPMed 0.00008; ExAC 0.00009; 1000 Genomes Project 30x 0.00016; 1000 Genomes Project 0.00020.
gnomAD v4.1: 41 of 1,614,130 alleles (0.0025%); highest among the groups gnomAD compares: East Asian, 0.053%; no homozygotes.

Submissions (3):

Labcorp Genetics (formerly Invitae), Labcorp
Classification: Uncertain significance for Dyskeratosis congenita. Last evaluated: 2024-11-21. Review status: criteria provided, single submitter. Criteria: Invitae Variant Classification Sherloc (09022015). Collection method: clinical testing. Allele origin: germline.
Comment: This sequence change replaces valine, which is neutral and non-polar, with isoleucine, which is neutral and non-polar, at codon 661 of the CTC1 protein (p.Val661Ile). This variant is present in population databases (rs534923467, gnomAD 0.1%). This variant has not been reported in the literature in individuals affected with CTC1-related conditions. ClinVar contains an entry for this variant (Variation ID: 529191). Invitae Evidence Modeling of protein sequence and biophysical properties (such as structural, functional, and spatial information, amino acid conservation, physicochemical variation, residue mobility, and thermodynamic stability) indicates that this missense variant is not expected to disrupt CTC1 protein function with a negative predictive value of 80%. In summary, the available evidence is currently insufficient to determine the role of this variant in disease. Therefore, it has been classified as a Variant of Uncertain Significance.

Fulgent Genetics
Classification: Uncertain significance for Cerebroretinal microangiopathy with calcifications and cysts 1. Last evaluated: 2024-06-20. Review status: criteria provided, single submitter. Criteria: ACMG Guidelines, 2015. Collection method: clinical testing. Allele origin: germline.

Ambry Genetics
Classification: Likely benign for Inborn genetic diseases. Last evaluated: 2023-10-19. Review status: criteria provided, single submitter. Criteria: Ambry Variant Classification Scheme 2023. Collection method: clinical testing. Allele origin: germline.